The following is an entry in ClinVar:

ClinVar aggregate classification (germline): Uncertain significance (1 of 4 stars; one submission).

Allele frequency attached by ClinVar (database versions not stated): gnomAD exomes below 0.00001; gnomAD 0.00001; TOPMed 0.00001.

Submission:

Labcorp Genetics (formerly Invitae), Labcorp
Classification: Uncertain significance. Last evaluated: 2022-11-11. Review status: criteria provided, single submitter. Criteria: Invitae Variant Classification Sherloc (09022015). Collection method: clinical testing. Allele origin: germline.
Comment: In summary, the available evidence is currently insufficient to determine the role of this variant in disease. Therefore, it has been classified as a Variant of Uncertain Significance. This variant results in the deletion of part of exon 1 (c.134_144+4del) of the GSN gene. It is expected to disrupt RNA splicing. Variants that disrupt the donor or acceptor splice site typically lead to a loss of protein function (PMID: 16199547), however the current clinical and genetic evidence is not sufficient to establish whether loss-of-function variants in GSN cause disease. This variant is not present in population databases (gnomAD no frequency). This variant has not been reported in the literature in individuals affected with GSN-related conditions. Algorithms developed to predict the effect of sequence changes on RNA splicing suggest that this variant may disrupt the consensus splice site.

Literature cited by the submitters: PubMed 16199547.

NM_198252.3(GSN):c.-9-1968_-9-1954del

Gene: GSN (gelsolin; plus strand). Cytogenetic location: 9q33.2.
Variant type: Deletion.
Coding change: c.-9-1968_-9-1954del on transcript NM_198252.3 (MANE Select); 1968 bases into the intron before 9 bases upstream of the start codon through 1954 bases into the intron before 9 bases upstream of the start codon, 15 bases deleted (CCGAGGCGCGGGTGA).
Molecular consequence: intron variant. On other transcripts: splice donor variant (1).
Genome position (GRCh38, 1-based): chr9:121,299,995-121,300,009, CCGAGGCGCGGGTGA deleted. VCF-style (leftmost placement, unchanged base first): chr9-121299994-CCCGAGGCGCGGGTGA-C. GRCh37 (hg19) VCF-style: chr9-124062272-CCCGAGGCGCGGGTGA-C.
Other names: c.-9-1968_-9-1954del (NM_001353054.1, NM_001353053.1, NM_001353060.2 and 5 more transcripts); c.-47-61_-47-47del (NM_001353064.2, NM_001353066.2, NM_001353072.2 and 8 more transcripts); c.-1-1976_-1-1962del (NM_001353058.2, NM_001353059.2, NM_001353056.2 and 1 more transcripts); c.-38-70_-38-56del (NM_001353073.2, NM_001353065.2, NM_001353068.2 and 2 more transcripts); c.100-1968_100-1954del (NM_001127663.2); c.-32-76_-32-62del (NM_001353070.2); c.-48-1929_-48-1915del (NM_001353055.2); c.-458-2916_-458-2902del (NM_001353078.2); and 3 more.
Identifiers: ClinVar variation 2044805 (VCV002044805.4), dbSNP rs1286790910, ClinGen allele CA859601301.